The following is an entry in ClinVar:

NM_000814.6(GABRB3):c.424C>T (p.Arg142Cys)

Gene: GABRB3 (gamma-aminobutyric acid type A receptor subunit beta3; minus strand). Cytogenetic location: 15q12.
Variant type: single nucleotide variant.
Coding change: c.424C>T on transcript NM_000814.6 (MANE Select); coding-DNA position 424, C replaced by T.
Protein change: p.Arg142Cys; replaces arginine 142 with cysteine.
Molecular consequence: missense variant. On other transcripts: non-coding transcript variant (1).
Genome position (GRCh38, 1-based): chr15:26,621,351, G>A on the plus strand (C>T on the coding strand, the complement: GABRB3 is on the minus strand). VCF-style: chr15-26621351-G-A. GRCh37 (hg19) VCF-style: chr15-26866498-G-A.
Other names: c.169C>T, p.Arg57Cys (NM_001191320.2, NM_001278631.2); c.211C>T, p.Arg71Cys (NM_001191321.3); c.424C>T, p.Arg142Cys (NM_021912.5); c.424C>T (NM_000814.5); short protein forms R142C, R57C, R71C.
Identifiers: ClinVar variation 1696530 (VCV001696530.6), dbSNP rs1892475061, ClinGen allele CA391460700.

ClinVar aggregate classification (germline): Uncertain significance. Review status: criteria provided, multiple submitters, no conflicts (2 of 4 stars). 3 submissions from 3 submitters: Uncertain significance (3). Last evaluated 2025-07-17.

Conditions:
Developmental and epileptic encephalopathy, 43 (DEE43). Also called: Epileptic encephalopathy, early infantile, 43. Identifiers: MedGen C4310712, MONDO:0014921, OMIM 617113.
Epilepsy, childhood absence, susceptibility to, 5. Identifiers: Orphanet 64280, MedGen C2677087, MONDO:0012843, OMIM 612269.
Epilepsy, childhood absence, susceptibility to, 1. Also called: Epilepsy, childhood absence 1. Identifiers: Orphanet 64280, MedGen C1838604, MONDO:0020759, OMIM 600131.
GABRB3-related disorder. Also called: GABRB3-related condition.

Allele frequency attached by ClinVar (database versions not stated): TOPMed below 0.00001.

Submissions (3):

PreventionGenetics, part of Exact Sciences
Classification: Uncertain significance for GABRB3-related condition. Last evaluated: 2025-07-17. Review status: criteria provided, single submitter. Criteria: ACMG Guidelines, 2015. Collection method: clinical testing. Allele origin: germline.
Comment: The GABRB3 c.424C>T variant is predicted to result in the amino acid substitution p.Arg142Cys. To our knowledge, this variant has not been reported in the literature or in a large population database (gnomAD), indicating it is rare. Other missense variants affecting the same amino acid (p.Arg142His, p.Arg142Leu) have been reported in individuals with autism or myoclonic atonic epilepsy (Supplementary Data 1, Zhou et al. 2022. PubMed ID: 35982159; Møller et al. 2017. PubMed ID: 28053010). At this time, the clinical significance of this variant is uncertain due to the absence of conclusive functional and genetic evidence.

Labcorp Genetics (formerly Invitae), Labcorp
Classification: Uncertain significance for Epilepsy, childhood absence, susceptibility to, 5; Epilepsy, childhood absence, susceptibility to, 1. Last evaluated: 2023-10-05. Review status: criteria provided, single submitter. Criteria: Invitae Variant Classification Sherloc (09022015). Collection method: clinical testing. Allele origin: germline.
Comment: This sequence change replaces arginine, which is basic and polar, with cysteine, which is neutral and slightly polar, at codon 142 of the GABRB3 protein (p.Arg142Cys). This variant is not present in population databases (gnomAD no frequency). This missense change has been observed in individual(s) with clinical features of early infantile epileptic encephalopathy (Invitae). ClinVar contains an entry for this variant (Variation ID: 1696530). Advanced modeling of protein sequence and biophysical properties (such as structural, functional, and spatial information, amino acid conservation, physicochemical variation, residue mobility, and thermodynamic stability) performed at Invitae indicates that this missense variant is expected to disrupt GABRB3 protein function. This variant disrupts the p.Arg142 amino acid residue in GABRB3. Other variant(s) that disrupt this residue have been observed in individuals with GABRB3-related conditions (PMID: 28053010), which suggests that this may be a clinically significant amino acid residue. In summary, the available evidence is currently insufficient to determine the role of this variant in disease. Therefore, it has been classified as a Variant of Uncertain Significance.

New York Genome Center
Classification: Uncertain significance for Developmental and epileptic encephalopathy, 43; Epilepsy, childhood absence, susceptibility to, 5. Last evaluated: 2021-08-12. Review status: criteria provided, single submitter. Criteria: NYGC Assertion Criteria 2020. Collection method: clinical testing. Allele origin: inherited. Observed: 1 heterozygote. Study: CSER-NYCKidSeq.
Comment: The inherited heterozygous c.424C>T (p.Arg142Cys) missense variant identified in the GABRB3 gene has not been reported in affected individuals in the literature. The variant is absent from gnomAD(v3) database suggesting it is not a common benign variant in the populations represented in that database. The variant affects an evolutionarily conserved residue and is predicted deleterious by multiple in silico prediction tools (CADD score = 34, REVEL score =0.906). Given the lack of functional studies, the inherited heterozygous c.424C>T (p.Arg142Cys) missense variant identified in the GABRB3 gene is reported as a Variant of Uncertain Significance.

Literature cited by the submitters: PubMed 28053010 (cited by Labcorp Genetics (formerly Invitae), Labcorp).